The following is an entry in ClinVar:

ClinVar aggregate classification (germline): Uncertain significance (1 of 4 stars; one submission).

Allele frequency attached by ClinVar (database versions not stated): gnomAD 0.00001; gnomAD exomes 0.00001 and below 0.00001; TOPMed below 0.00001; ExAC 0.00002.
gnomAD v4.1: 2 of 1,612,116 alleles (0.00012%); highest among the groups gnomAD compares: Non-Finnish European, 0.00017%; no homozygotes.

Submission:

Labcorp Genetics (formerly Invitae), Labcorp
Classification: Uncertain significance. Last evaluated: 2023-08-17. Review status: criteria provided, single submitter. Criteria: Invitae Variant Classification Sherloc (09022015). Collection method: clinical testing. Allele origin: germline.
Comment: In summary, the available evidence is currently insufficient to determine the role of this variant in disease. Therefore, it has been classified as a Variant of Uncertain Significance. An algorithm developed to predict the effect of missense changes on protein structure and function (PolyPhen-2) suggests that this variant is likely to be disruptive. ClinVar contains an entry for this variant (Variation ID: 1448572). This variant has not been reported in the literature in individuals affected with HNF1B-related conditions. This variant is present in population databases (rs764255300, gnomAD 0.002%). This sequence change replaces cysteine, which is neutral and slightly polar, with tyrosine, which is neutral and polar, at codon 552 of the HNF1B protein (p.Cys552Tyr).

NM_000458.4(HNF1B):c.1655G>A (p.Cys552Tyr)

Gene: HNF1B (HNF1 homeobox B; minus strand). Cytogenetic location: 17q12.
Variant type: single nucleotide variant.
Coding change: c.1655G>A on transcript NM_000458.4 (MANE Select); coding-DNA position 1655, G replaced by A.
Protein change: p.Cys552Tyr; replaces cysteine 552 with tyrosine.
Molecular consequence: missense variant.
Genome position (GRCh38, 1-based): chr17:37,687,391, C>T on the plus strand (G>A on the coding strand, the complement: HNF1B is on the minus strand). VCF-style: chr17-37687391-C-T. GRCh37 (hg19) VCF-style: chr17-36047394-C-T.
Other names: c.1577G>A, p.Cys526Tyr (NM_001165923.4); c.1263G>A, p.Met421Ile (NM_001304286.2); short protein forms C552Y, C526Y, M421I.
Identifiers: ClinVar variation 1448572 (VCV001448572.7), dbSNP rs764255300, ClinGen allele CA8518763.
Genomic context (GRCh38, chr17:37,687,391, plus strand): 5'-GGGTCCTTGTTGTTGCGCACGAAGTAAGTGGTGTGTGGGCATCACCAGGCTTGTAGAGGA[C>T]ACTGCAGAGAGAGAGGAGAGAGGGTGCTCAGCTGTGTCATTTGGCAGGGTCATGGGCCAT-3'
Protein context (NP_000449.1, residues 542-557): TLTNMSSSKQ[Cys552Tyr]PLQAW